The following is an entry in ClinVar:

NM_032888.4(COL27A1):c.4369G>C (p.Gly1457Arg)

Gene: COL27A1 (collagen type XXVII alpha 1 chain; plus strand). Cytogenetic location: 9q32.
Variant type: single nucleotide variant.
Coding change: c.4369G>C on transcript NM_032888.4 (MANE Select); coding-DNA position 4369, G replaced by C.
Protein change: p.Gly1457Arg; replaces glycine 1457 with arginine.
Molecular consequence: missense variant.
Genome position (GRCh38, 1-based): chr9:114,290,810, G>C. VCF-style: chr9-114290810-G-C. GRCh37 (hg19) VCF-style: chr9-117053090-G-C.
Other names: short protein forms G1457R.
Identifiers: ClinVar variation 4688421 (VCV004688421.1).

ClinVar aggregate classification (germline): Uncertain significance (1 of 4 stars; one submission).

Submission:

Women's Health and Genetics/Laboratory Corporation of America, LabCorp
Classification: Uncertain significance. Last evaluated: 2025-12-10. Review status: criteria provided, single submitter. Criteria: LabCorp Variant Classification Summary - May 2015. Collection method: clinical testing. Allele origin: germline.
Comment: Variant summary: COL27A1 c.4369G>C (p.Gly1457Arg) results in a non-conservative amino acid change in the encoded protein sequence. Algorithms developed to predict the effect of missense changes on protein structure and function all suggest that this variant is likely to be disruptive. Consensus agreement among computation tools predict no significant impact on normal splicing. However, these predictions have yet to be confirmed by functional studies. The frequency data for this variant in gnomAD is considered unreliable, as metrics indicate poor data quality at this position. To our knowledge, no occurrence of c.4369G>C in individuals affected with COL27A1-related conditions and no experimental evidence demonstrating its impact on protein function have been reported. No submitters have cited clinical-significance assessments for this variant to ClinVar. Based on the evidence outlined above, the variant was classified as uncertain significance.